The following is an entry in ClinVar:

NM_000460.4(THPO):c.832A>G (p.Thr278Ala)

Gene: THPO (thrombopoietin; minus strand). Cytogenetic location: 3q27.1.
Variant type: single nucleotide variant.
Coding change: c.832A>G on transcript NM_000460.4 (MANE Select); coding-DNA position 832, A replaced by G.
Protein change: p.Thr278Ala; replaces threonine 278 with alanine.
Molecular consequence: missense variant.
Genome position (GRCh38, 1-based): chr3:184,372,743, T>C on the plus strand (A>G on the coding strand, the complement: THPO is on the minus strand). VCF-style: chr3-184372743-T-C. GRCh37 (hg19) VCF-style: chr3-184090531-T-C.
Other names: c.820A>G, p.Thr274Ala (NM_001177597.2, NM_001290022.1); c.815A>G, p.Asn272Ser (NM_001177598.2, NM_001290026.1); c.716A>G, p.Asn239Ser (NM_001289997.1, NM_001290027.1); c.832A>G, p.Thr278Ala (NM_001289998.1, NM_001290028.1); c.1252A>G, p.Thr418Ala (NM_001290003.1); short protein forms N239S, T418A, N272S, T278A, T274A.
Identifiers: ClinVar variation 1475254 (VCV001475254.6), dbSNP rs2108617655, ClinGen allele CA355461544.

ClinVar aggregate classification (germline): Uncertain significance (1 of 4 stars; one submission).

Submission:

Labcorp Genetics (formerly Invitae), Labcorp
Classification: Uncertain significance. Last evaluated: 2021-10-29. Review status: criteria provided, single submitter. Criteria: Invitae Variant Classification Sherloc (09022015). Collection method: clinical testing. Allele origin: germline.
Comment: In summary, the available evidence is currently insufficient to determine the role of this variant in disease. Therefore, it has been classified as a Variant of Uncertain Significance. Algorithms developed to predict the effect of missense changes on protein structure and function output the following: SIFT: "Tolerated"; PolyPhen-2: "Benign"; Align-GVGD: "Class C0". The alanine amino acid residue is found in multiple mammalian species, which suggests that this missense change does not adversely affect protein function. This variant has not been reported in the literature in individuals affected with THPO-related conditions. This variant is not present in population databases (gnomAD no frequency). This sequence change replaces threonine, which is neutral and polar, with alanine, which is neutral and non-polar, at codon 278 of the THPO protein (p.Thr278Ala).